The following is an entry in ClinVar:

NM_000270.4(PNP):c.685C>T (p.Arg229Trp)

Gene: PNP (purine nucleoside phosphorylase; plus strand). Cytogenetic location: 14q11.2.
Variant type: single nucleotide variant.
Coding change: c.685C>T on transcript NM_000270.4 (MANE Select); coding-DNA position 685, C replaced by T.
Protein change: p.Arg229Trp; replaces arginine 229 with tryptophan.
Molecular consequence: missense variant.
Genome position (GRCh38, 1-based): chr14:20,476,416, C>T. VCF-style: chr14-20476416-C-T. GRCh37 (hg19) VCF-style: chr14-20944575-C-T.
Other names: short protein forms R229W.
Identifiers: ClinVar variation 655041 (VCV000655041.9), dbSNP rs139364283, ClinGen allele CA7082209.
Genomic context (GRCh38, chr14:20,476,416, plus strand): 5'-AGTTGGTTTCCATCTTTCTCACTATCAGGCATGAGTACAGTACCAGAAGTTATCGTTGCA[C>T]GGCACTGTGGACTTCGAGTCTTTGGCTTCTCACTCATCACTAACAAGGTCATCATGGATT-3'
Protein context (NP_000261.2, residues 219-239): MSTVPEVIVA[Arg229Trp]HCGLRVFGFS

ClinVar aggregate classification (germline): Uncertain significance. Review status: criteria provided, multiple submitters, no conflicts (2 of 4 stars). 2 submissions from 2 submitters: Uncertain significance (2). Last evaluated 2024-07-07.

Conditions:
Purine-nucleoside phosphorylase deficiency. Also called: NUCLEOSIDE PHOSPHORYLASE DEFICIENCY; Immunodeficiency due to purine nucleoside phosphorylase deficiency. Identifiers: Orphanet 760, MedGen C0268125, MONDO:0013171, OMIM 613179.

Allele frequency attached by ClinVar (database versions not stated): ExAC 0.00006; gnomAD exomes 0.00002 and 0.00005; ESP Exome Variant Server 0.00008; gnomAD 0.00015; 1000 Genomes Project 30x 0.00016; 1000 Genomes Project 0.00020; TOPMed 0.00015.
gnomAD v4.1: 45 of 1,614,008 alleles (0.0028%); highest among the groups gnomAD compares: African/African-American, 0.043%; no homozygotes.

Submissions (2):

GeneDx
Classification: Uncertain significance. Last evaluated: 2024-07-07. Review status: criteria provided, single submitter. Criteria: GeneDx Variant Classification Process June 2021. Collection method: clinical testing. Allele origin: germline. Affected: yes.
Comment: In silico analysis supports that this missense variant has a deleterious effect on protein structure/function; Has not been previously published as pathogenic or benign to our knowledge

Labcorp Genetics (formerly Invitae), Labcorp
Classification: Uncertain significance for Purine-nucleoside phosphorylase deficiency. Last evaluated: 2021-08-24. Review status: criteria provided, single submitter. Criteria: Invitae Variant Classification Sherloc (09022015). Collection method: clinical testing. Allele origin: germline.
Comment: This sequence change replaces arginine with tryptophan at codon 229 of the PNP protein (p.Arg229Trp). The arginine residue is moderately conserved and there is a moderate physicochemical difference between arginine and tryptophan. This variant is present in population databases (rs139364283, ExAC 0.06%). This variant has not been reported in the literature in individuals affected with PNP-related conditions. ClinVar contains an entry for this variant (Variation ID: 655041). Algorithms developed to predict the effect of missense changes on protein structure and function are either unavailable or do not agree on the potential impact of this missense change (SIFT: "Deleterious"; PolyPhen-2: "Probably Damaging"; Align-GVGD: "Class C0"). In summary, the available evidence is currently insufficient to determine the role of this variant in disease. Therefore, it has been classified as a Variant of Uncertain Significance.